The following is an entry in ClinVar:

NM_020774.4(MIB1):c.1209A>G (p.Ala403=)

Gene: MIB1 (MIB E3 ubiquitin protein ligase 1; plus strand). Cytogenetic location: 18q11.2.
Variant type: single nucleotide variant.
Coding change: c.1209A>G on transcript NM_020774.4 (MANE Select); coding-DNA position 1209, A replaced by G.
Protein change: p.Ala403=; no amino-acid change (alanine 403 retained).
Molecular consequence: synonymous variant.
Genome position (GRCh38, 1-based): chr18:21,798,200, A>G. VCF-style: chr18-21798200-A-G. GRCh37 (hg19) VCF-style: chr18-19378161-A-G.
Identifiers: ClinVar variation 2648615 (VCV002648615.24), dbSNP rs2510734326, ClinGen allele CA503292901.

ClinVar aggregate classification (germline): Likely benign (1 of 4 stars; one submission).

Allele frequency attached by ClinVar (database versions not stated): gnomAD exomes below 0.00001.
gnomAD v4.1: 1 of 1,613,240 alleles (0.000062%); highest among the groups gnomAD compares: Non-Finnish European, 0.000085%; no homozygotes.

Submission:

CeGaT Center for Human Genetics Tuebingen
Classification: Likely benign. Last evaluated: 2022-04-01. Review status: criteria provided, single submitter. Criteria: CeGaT Center For Human Genetics Tuebingen Variant Classification Criteria Version 2. Collection method: clinical testing. Allele origin: germline. Affected: yes. Observed: 1 variant allele.
Comment: MIB1: PM2:Supporting, BP4, BP7